The following is an entry in ClinVar:

ClinVar aggregate classification (germline): Uncertain significance (1 of 4 stars; one submission).

Conditions:
Small cell lung carcinoma. Also called: Small cell lung cancer; SMALL CELL CANCER OF THE LUNG, SOMATIC; Lung oat cell carcinoma. Identifiers: Orphanet 70573, MedGen C0149925, MeSH D055752, MONDO:0008433, OMIM 182280, HP:0030357.
Bone osteosarcoma. Also called: Osteosarcoma, somatic. Identifiers: Orphanet 668, MedGen C0585442, MONDO:0002629, OMIM 259500.
Retinoblastoma (RB1). Also called: RETINOBLASTOMA, SOMATIC. Identifiers: Orphanet 790, MedGen C0035335, MeSH D012175, MONDO:0008380, OMIM 180200, HP:0009919. Disease mechanism: loss of function. Inheritance: Both sporadic and heritable forms are tested..
Malignant tumor of urinary bladder. Also called: Bladder cancer; Urinary Bladder Neoplasms; Urinary bladder cancer. Identifiers: MedGen C0005684, MONDO:0001187, OMIM 109800.

Submission:

Juno Genomics, Hangzhou Juno Genomics, Inc
Classification: Uncertain significance for Malignant tumor of urinary bladder; Bone osteosarcoma; Retinoblastoma; Small cell lung carcinoma. Review status: criteria provided, single submitter. Criteria: ACMG Guidelines, 2015. Collection method: clinical testing. Allele origin: germline.
Comment: Null variant in a gene where loss of function (LOF) is a known mechanism of disease.;Absent from controls (or at extremely low frequency if recessive) in Genome Aggregation Database.

NM_000321.3(RB1):c.608-2A>T

Gene: RB1 (RB transcriptional corepressor 1; plus strand). Cytogenetic location: 13q14.2.
Variant type: single nucleotide variant.
Coding change: c.608-2A>T on transcript NM_000321.3 (MANE Select); the canonical splice acceptor site of the intron before coding-DNA position 608, A replaced by T.
Molecular consequence: splice acceptor variant.
Genome position (GRCh38, 1-based): chr13:48,360,015, A>T. VCF-style: chr13-48360015-A-T. GRCh37 (hg19) VCF-style: chr13-48934151-A-T.
Other names: c.608-2A>T (NM_001407165.1, NM_001407166.1).
Identifiers: ClinVar variation 5005259 (VCV005005259.2).